The following is an entry in ClinVar:

NM_018718.3(CEP41):c.1115G>A (p.Trp372Ter)

Gene: CEP41 (centrosomal protein 41; minus strand). Cytogenetic location: 7q32.2.
Variant type: single nucleotide variant.
Coding change: c.1115G>A on transcript NM_018718.3 (MANE Select); coding-DNA position 1115, G replaced by A.
Protein change: p.Trp372Ter; replaces tryptophan 372 with a stop codon.
Molecular consequence: nonsense. On other transcripts: non-coding transcript variant (1).
Genome position (GRCh38, 1-based): chr7:130,398,898, C>T on the plus strand (G>A on the coding strand, the complement: CEP41 is on the minus strand). VCF-style: chr7-130398898-C-T. GRCh37 (hg19) VCF-style: chr7-130038739-C-T.
Other names: c.899G>A, p.Trp300Ter (NM_001257158.2); c.851G>A, p.Trp284Ter (NM_001257159.2); short protein forms W284*, W300*, W372*.
Identifiers: ClinVar variation 958821 (VCV000958821.5), dbSNP rs139909606, ClinGen allele CA4485377.

ClinVar aggregate classification (germline): Uncertain significance (1 of 4 stars; one submission).

Conditions:
Joubert syndrome 15 (JBTS15). Identifiers: Orphanet 475, MedGen C3280897, MONDO:0013763, OMIM 614464.

Allele frequency attached by ClinVar (database versions not stated): gnomAD exomes below 0.00001 and 0.00001; ExAC 0.00001; gnomAD 0.00002; TOPMed 0.00002; ESP Exome Variant Server 0.00008.
gnomAD v4.1: 18 of 1,614,122 alleles (0.0011%); highest among the groups gnomAD compares: Non-Finnish European, 0.0014%; no homozygotes.

Submission:

Labcorp Genetics (formerly Invitae), Labcorp
Classification: Uncertain significance for Joubert syndrome 15. Last evaluated: 2021-02-04. Review status: criteria provided, single submitter. Criteria: Invitae Variant Classification Sherloc (09022015). Collection method: clinical testing. Allele origin: germline.
Comment: This sequence change results in a premature translational stop signal in the CEP41 gene (p.Trp372*). While this is not anticipated to result in nonsense mediated decay, it is expected to disrupt the last 2 amino acids of the CEP41 protein. This variant is present in population databases (rs139909606, ExAC 0.01%). This variant has not been reported in the literature in individuals with CEP41-related conditions. In summary, the available evidence is currently insufficient to determine the role of this variant in disease. Therefore, it has been classified as a Variant of Uncertain Significance.